The following is an entry in ClinVar:

ClinVar aggregate classification (germline): Uncertain significance (1 of 4 stars; one submission).

Conditions:
Early-infantile DEE. Also called: Ohtahara syndrome; Early infantile epileptic encephalopathy; Early infantile epileptic encephalopathy with suppression bursts. Identifiers: Orphanet 1934, MedGen C0393706, MONDO:0800491.

Submission:

Labcorp Genetics (formerly Invitae), Labcorp
Classification: Uncertain significance for Early-infantile DEE. Last evaluated: 2025-02-12. Review status: criteria provided, single submitter. Criteria: Invitae Variant Classification Sherloc (09022015). Collection method: clinical testing. Allele origin: germline.
Comment: This sequence change replaces glutamic acid, which is acidic and polar, with alanine, which is neutral and non-polar, at codon 1859 of the SPTAN1 protein (p.Glu1859Ala). This variant is not present in population databases (gnomAD no frequency). This variant has not been reported in the literature in individuals affected with SPTAN1-related conditions. ClinVar contains an entry for this variant (Variation ID: 1934475). Invitae Evidence Modeling of protein sequence and biophysical properties (such as structural, functional, and spatial information, amino acid conservation, physicochemical variation, residue mobility, and thermodynamic stability) has been performed for this missense variant. However, the output from this modeling did not meet the statistical confidence thresholds required to predict the impact of this variant on SPTAN1 protein function. In summary, the available evidence is currently insufficient to determine the role of this variant in disease. Therefore, it has been classified as a Variant of Uncertain Significance.

NM_001130438.3(SPTAN1):c.5576A>C (p.Glu1859Ala)

Gene: SPTAN1 (spectrin alpha, non-erythrocytic 1; plus strand). Cytogenetic location: 9q34.11.
Variant type: single nucleotide variant.
Coding change: c.5576A>C on transcript NM_001130438.3 (MANE Select); coding-DNA position 5576, A replaced by C.
Protein change: p.Glu1859Ala; replaces glutamic acid 1859 with alanine.
Molecular consequence: missense variant.
Genome position (GRCh38, 1-based): chr9:128,618,084, A>C. VCF-style: chr9-128618084-A-C. GRCh37 (hg19) VCF-style: chr9-131380363-A-C.
Other names: c.5501A>C, p.Glu1834Ala (NM_001195532.2); c.5576A>C, p.Glu1859Ala (NM_001363759.2, NM_001375310.1, NM_001375311.2 and 1 more transcripts); c.5516A>C, p.Glu1839Ala (NM_001363765.2, NM_001375314.2); c.5612A>C, p.Glu1871Ala (NM_001375312.2, NM_001375318.1); c.5561A>C, p.Glu1854Ala (NM_003127.4); short protein forms E1854A, E1859A, E1834A, E1839A, E1871A.
Identifiers: ClinVar variation 1934475 (VCV001934475.5), dbSNP rs2131800107, ClinGen allele CA375077337.
Genomic context (GRCh38, chr9:128,618,084, plus strand): 5'-ACACCATCGGGAAAGAGGAGATCCAGCAGCGGCTGGCGCAGTTTGTGGAGCACTGGAAAG[A>C]GCTGAAGCAGCTGGCAGCTGCCCGGTGAGTAGTCAGAGGCAGGAGCTCCCGGGAACAAGT-3'
Protein context (NP_001123910.1, residues 1849-1869): RLAQFVEHWK[Glu1859Ala]LKQLAAARGQ